The following is an entry in ClinVar:

NM_000372.5(TYR):c.1534C>T (p.Gln512Ter)

Gene: TYR (tyrosinase; plus strand). Cytogenetic location: 11q14.3.
Variant type: single nucleotide variant.
Coding change: c.1534C>T on transcript NM_000372.5 (MANE Select); coding-DNA position 1534, C replaced by T.
Protein change: p.Gln512Ter; replaces glutamine 512 with a stop codon.
Molecular consequence: nonsense.
Genome position (GRCh38, 1-based): chr11:89,295,310, C>T. VCF-style: chr11-89295310-C-T. GRCh37 (hg19) VCF-style: chr11-89028478-C-T.
Other names: short protein forms Q512*.
Identifiers: ClinVar variation 3769567 (VCV003769567.2).
Genomic context (GRCh38, chr11:89,295,310, plus strand): 5'-CTGGCAGGGCTTGTGAGCTTGCTGTGTCGTCACAAGAGAAAGCAGCTTCCTGAAGAAAAG[C>T]AGCCACTCCTCATGGAGAAAGAGGATTACCACAGCTTGTATCAGAGCCATTTATAAAAGG-3'

ClinVar aggregate classification (germline): Likely pathogenic. Review status: criteria provided, single submitter (1 of 4 stars). 2 submissions from 2 submitters: Likely pathogenic (1). 1 of the submissions does not count toward it. Last evaluated 2026-04-13.

Conditions:
Oculocutaneous albinism type 1A (OCA1A). Also called: Albinism, oculocutaneous, type IA. Identifiers: Orphanet 352731, Orphanet 79431, MedGen C4551504, MONDO:0008745, OMIM 203100. Disease mechanism: loss of function.
Oculocutaneous albinism type 1. Also called: Albinism 1; ALBINISM I. Identifiers: Orphanet 352731, MedGen C0268494, MONDO:0018135. Disease mechanism: loss of function.

Submissions (2):

Myriad Genetics, Inc.
Classification: Likely pathogenic for Oculocutaneous albinism type 1. Last evaluated: 2026-04-13. Review status: criteria provided, single submitter. Criteria: Myriad Autosomal Dominant, Autosomal Recessive and X-Linked Classification Criteria (2023). Collection method: clinical testing. Allele origin: unknown.
Comment: NM_000372.4(TYR):c.1534C>T(Q512*) is a nonsense variant classified as likely pathogenic in the context of oculocutaneous albinism, TYR-related. Q512* has been observed in a case with relevant disease (PMID: 34838614). Relevant functional assessments of this variant are available in the literature (PMID: 40252993). Q512* has not been observed in referenced population frequency databases. In summary, NM_000372.4(TYR):c.1534C>T(Q512*) is a nonsense variant that has functional support for pathogenicity and has been observed more frequently in cases with the relevant disease than in healthy populations. Please note: this variant was assessed in the context of healthy population screening.

Beijing Key Laboratry for Genetics of Birth Defects, Beijing Children's Hospital
Classification: Likely pathogenic for Oculocutaneous albinism type 1A. Review status: no assertion criteria provided. Criteria: ACMG Guidelines, 2015. Collection method: research. Allele origin: unknown. Affected: yes. Not counted in ClinVar's aggregate classification.

Literature cited by the submitters: PubMed 34838614 (cited by Myriad Genetics, Inc.); PubMed 40252993 (cited by Myriad Genetics, Inc.).